The following is an entry in ClinVar:

NM_004655.4(AXIN2):c.2285G>A (p.Ser762Asn)

Gene: AXIN2 (axin 2; minus strand). Cytogenetic location: 17q24.1.
Variant type: single nucleotide variant.
Coding change: c.2285G>A on transcript NM_004655.4 (MANE Select); coding-DNA position 2285, G replaced by A.
Protein change: p.Ser762Asn; replaces serine 762 with asparagine.
Molecular consequence: missense variant.
Genome position (GRCh38, 1-based): chr17:65,534,032, C>T on the plus strand (G>A on the coding strand, the complement: AXIN2 is on the minus strand). VCF-style: chr17-65534032-C-T. GRCh37 (hg19) VCF-style: chr17-63530150-C-T.
Other names: p.S762N:AGT>AAT; c.2285G>A (LRG_296t1); c.2090G>A, p.Ser697Asn (NM_001363813.1); short protein forms S762N, S697N.
Identifiers: ClinVar variation 127944 (VCV000127944.44), dbSNP rs117688560, ClinGen allele CA288107.

ClinVar aggregate classification (germline): Conflicting classifications of pathogenicity. Review status: criteria provided, conflicting classifications (1 of 4 stars). 14 submissions from 14 submitters: Uncertain significance (2); Benign (4); Likely benign (4). 4 of the submissions do not count toward it. Last evaluated 2026-02-04.

Conditions:
AXIN2-related disorder.
Hereditary cancer-predisposing syndrome. Also called: Hereditary neoplastic syndrome; Tumor predisposition; Neoplastic Syndromes, Hereditary; Hereditary Cancer Syndrome. Identifiers: Orphanet 140162, MedGen C0027672, MeSH D009386, MONDO:0015356.
Oligodontia-cancer predisposition syndrome. Also called: TOOTH AGENESIS-COLORECTAL CANCER SYNDROME. Identifiers: Orphanet 300576, MedGen C1837750, MONDO:0012075, OMIM 608615. Disease mechanism: loss of function.
Malignant tumor of breast. Also called: Malignant breast neoplasm; Cancer breast. Identifiers: MedGen C0006142, MONDO:0007254. Disease mechanism: loss of function.

Allele frequency attached by ClinVar (database versions not stated): 1000 Genomes Project 0.00020; 1000 Genomes Project 30x 0.00031; gnomAD 0.00061 and 0.00064; TOPMed 0.00073; ESP Exome Variant Server 0.00092.

Submissions (14):

Labcorp Genetics (formerly Invitae), Labcorp
Classification: Benign for Oligodontia-cancer predisposition syndrome. Last evaluated: 2026-02-04. Review status: criteria provided, single submitter. Criteria: Invitae Variant Classification Sherloc (09022015). Collection method: clinical testing. Allele origin: germline.

Quest Diagnostics Nichols Institute San Juan Capistrano
Classification: Benign. Last evaluated: 2025-05-28. Review status: criteria provided, single submitter. Criteria: Quest Diagnostics criteria. Collection method: clinical testing. Allele origin: unknown.

Center for Genomic Medicine, Rigshospitalet, Copenhagen University Hospital
Classification: Uncertain significance. Last evaluated: 2025-03-04. Review status: criteria provided, single submitter. Criteria: ACMG Guidelines, 2015. Collection method: clinical testing. Allele origin: germline.

Blueprint Genetics
Classification: Likely benign. Last evaluated: 2024-11-25. Review status: criteria provided, single submitter. Criteria: ACMG Guidelines, 2015. Collection method: clinical testing. Allele origin: germline.

Ambry Genetics
Classification: Likely benign for Hereditary cancer-predisposing syndrome. Last evaluated: 2022-11-03. Review status: criteria provided, single submitter. Criteria: Ambry Variant Classification Scheme 2023. Collection method: clinical testing. Allele origin: germline.

Women's Health and Genetics/Laboratory Corporation of America, LabCorp
Classification: Likely benign. Last evaluated: 2022-04-15. Review status: criteria provided, single submitter. Criteria: LabCorp Variant Classification Summary - May 2015. Collection method: clinical testing. Allele origin: germline.

GeneDx
Classification: Likely benign. Last evaluated: 2021-05-06. Review status: criteria provided, single submitter. Criteria: GeneDx Variant Classification Process June 2021. Collection method: clinical testing. Allele origin: germline. Affected: yes.
Comment: This variant is associated with the following publications: (PMID: 24631698, 25236910, 15841489, 29114927)

ARUP Laboratories, Molecular Genetics and Genomics, ARUP Laboratories
Classification: Uncertain significance. Last evaluated: 2020-11-10. Review status: criteria provided, single submitter. Criteria: ARUP Molecular Germline Variant Investigation Process 2021. Collection method: clinical testing. Allele origin: germline.
Comment: The AXIN2 c.2285G>A; p.Ser762Asn variant (rs117688560), to our knowledge, is not reported as a germline variant in an individual with hereditary cancer, but has been reported as a somatic variant in a hepatoblastoma (Mazzoni 2014). The variant is reported in the ClinVar database (Variation ID: 127944) and is found in the general population with an overall allele frequency of 0.07% (196/282,902 alleles, including 1 homozygote) in the Genome Aggregation Database. The serine at codon 762 is moderately conserved and computational analyses predict that this variant is neutral (REVEL 0.065). Due to limited information, the clinical significance of the p.Ser762Asn variant is uncertain at this time. While the population frequency suggests that this is likely a benign variant, given the lack of clinical and functional data, the significance of the p.Ser762Asn variant is uncertain at this time. References: Mazzoni SM and Fearon ER. AXIN1 and AXIN2 variants in gastrointestinal cancers. Cancer Lett. 2014 Dec 1;355(1):1-8.

Sema4
Classification: Benign for Hereditary cancer-predisposing syndrome. Last evaluated: 2020-11-06. Review status: criteria provided, single submitter. Criteria: Sema4 Curation Guidelines. Collection method: curation. Allele origin: germline.

Illumina Laboratory Services, Illumina
Classification: Benign for Oligodontia-cancer predisposition syndrome. Last evaluated: 2018-01-13. Review status: criteria provided, single submitter. Criteria: ICSL Variant Classification Criteria 13 December 2019. Collection method: clinical testing. Allele origin: germline.
Comment: This variant was observed in the ICSL laboratory as part of a predisposition screen in an ostensibly healthy population. It had not been previously curated by ICSL or reported in the Human Gene Mutation Database (HGMD: prior to June 1st, 2018), and was therefore a candidate for classification through an automated scoring system. Utilizing variant allele frequency, disease prevalence and penetrance estimates, and inheritance mode, an automated score was calculated to assess if this variant is too frequent to cause the disease. Based on the score and internal cut-off values, a variant classified as benign is not then subjected to further curation. The score for this variant resulted in a classification of benign for this disease.

PreventionGenetics, part of Exact Sciences
Classification: Likely benign for AXIN2-related condition. Last evaluated: 2019-11-22. Review status: no assertion criteria provided. Collection method: clinical testing. Allele origin: germline. Not counted in ClinVar's aggregate classification.
Comment: This variant is classified as likely benign based on ACMG/AMP sequence variant interpretation guidelines (Richards et al. 2015 PMID: 25741868, with internal and published modifications).

Mayo Clinic Laboratories, Mayo Clinic
Classification: Uncertain significance. Last evaluated: 2017-11-10. Review status: no assertion criteria provided. Collection method: clinical testing. Allele origin: unknown. Not counted in ClinVar's aggregate classification.

Center of Medical Genetics and Primary Health Care
Classification: Benign for Breast Cancer. Review status: no assertion criteria provided. Collection method: clinical testing. Allele origin: germline. Affected: yes. Not counted in ClinVar's aggregate classification.

Clinical Genetics DNA and cytogenetics Diagnostics Lab, Erasmus MC, Erasmus Medical Center
Classification: Likely benign. Review status: no assertion criteria provided. Collection method: clinical testing. Allele origin: germline. Affected: yes. Study: VKGL Data-share Consensus. Not counted in ClinVar's aggregate classification.

Literature cited by the submitters: PubMed 15841489 (cited by Quest Diagnostics Nichols Institute San Juan Capistrano); PubMed 29114927 (cited by Quest Diagnostics Nichols Institute San Juan Capistrano and Ambry Genetics); PubMed 24631698 (cited by Quest Diagnostics Nichols Institute San Juan Capistrano); PubMed 28944238 (cited by Quest Diagnostics Nichols Institute San Juan Capistrano); PubMed 33558524 (cited by Quest Diagnostics Nichols Institute San Juan Capistrano); PubMed 15538750 (cited by Quest Diagnostics Nichols Institute San Juan Capistrano); PubMed 25236910 (cited by Ambry Genetics).